The following is an entry in ClinVar:

ClinVar aggregate classification (germline): Likely benign (1 of 4 stars; one submission).

Submission:

GeneDx
Classification: Likely benign. Last evaluated: 2019-08-15. Review status: criteria provided, single submitter. Criteria: GeneDx Variant Classification Process June 2021. Collection method: clinical testing. Allele origin: germline. Affected: yes.
Comment: See Variant Classification Assertion Criteria.

NM_001405607.1(PBRM1):c.-15-135del

Gene: PBRM1 (polybromo 1; minus strand). Cytogenetic location: 3p21.1.
Variant type: Deletion.
Coding change: c.-15-135del on transcript NM_001405607.1 (MANE Select); 135 bases into the intron before 15 bases upstream of the start codon, one base deleted (A; older notation c.-15-135delA).
Molecular consequence: intron variant.
Genome position (GRCh38, 1-based): chr3:52,679,861, T deleted on the plus strand (A on the coding strand, the reverse complement: PBRM1 is on the minus strand); the first of 15 consecutive T bases (chr3:52,679,861-52,679,875); deleting any one gives the same sequence. VCF-style (leftmost placement, unchanged base first): chr3-52679860-GT-G. GRCh37 (hg19) VCF-style: chr3-52713876-GT-G.
Other names: c.-12-138del (NM_001400474.1, NM_001405573.1, NM_001405572.1 and 32 more transcripts); c.-15-135del (NM_001405638.1, NM_001405634.1, NM_001405635.1 and 68 more transcripts); c.4-135del (NM_001405637.1); c.49-135del (NM_001405622.1, NM_001350074.2, NM_001366072.2 and 12 more transcripts); c.-9-141del (NM_001394874.1); c.-1997-135del (NM_001405566.1, NM_001405596.1); c.40-135del (NM_001366076.2, NM_001405574.1, NM_001405591.1 and 4 more transcripts); c.40-138del (NM_001366074.2); and 2 more.
Identifiers: ClinVar variation 4795558 (VCV004795558.1).
Genomic context (GRCh38, chr3:52,679,860, plus strand): 5'-ACCAAACTCCTGGCTCACTTAGGAGGATATTTTAACGTGTTGTAGTTTAACTAGCTATAA[GT>G]TTTTTTTTTTTTTTAAGCCCTGGACTTCCTTGTTTTAGTCTTTCACTTACCAGAATGCTA-3'